The following is an entry in ClinVar:

NM_000037.4(ANK1):c.4384G>A (p.Ala1462Thr)

Gene: ANK1 (ankyrin 1; minus strand). Cytogenetic location: 8p11.21.
Variant type: single nucleotide variant.
Coding change: c.4384G>A on transcript NM_000037.4 (MANE Select); coding-DNA position 4384, G replaced by A.
Protein change: p.Ala1462Thr; replaces alanine 1462 with threonine.
Molecular consequence: missense variant.
Genome position (GRCh38, 1-based): chr8:41,686,158, C>T on the plus strand (G>A on the coding strand, the complement: ANK1 is on the minus strand). VCF-style: chr8-41686158-C-T. GRCh37 (hg19) VCF-style: chr8-41543676-C-T.
Other names: c.4507G>A, p.Ala1503Thr (NM_001142446.2); c.4384G>A, p.Ala1462Thr (NM_020475.3, NM_020476.3, NM_020477.3); short protein forms A1503T, A1462T.
Identifiers: ClinVar variation 2920209 (VCV002920209.3), dbSNP rs368572433, ClinGen allele CA4727589.

ClinVar aggregate classification (germline): Uncertain significance (1 of 4 stars; one submission).

Allele frequency attached by ClinVar (database versions not stated): gnomAD 0.00013; ESP Exome Variant Server 0.00015; TOPMed 0.00017; ExAC 0.00015.
gnomAD v4.1: 170 of 1,614,088 alleles (0.011%); highest among the groups gnomAD compares: South Asian, 0.066%; 1 homozygote.

Submission:

Labcorp Genetics (formerly Invitae), Labcorp
Classification: Uncertain significance. Last evaluated: 2025-10-24. Review status: criteria provided, single submitter. Criteria: Invitae Variant Classification Sherloc (09022015). Collection method: clinical testing. Allele origin: germline.
Comment: This sequence change replaces alanine, which is neutral and non-polar, with threonine, which is neutral and polar, at codon 1462 of the ANK1 protein (p.Ala1462Thr). This variant is present in population databases (rs368572433, gnomAD 0.06%), including at least one homozygous and/or hemizygous individual. This missense change has been observed in individual(s) with clinical features of spherocytosis (PMID: 32036089). This variant is also known as p.Ala1503Thr. ClinVar contains an entry for this variant (Variation ID: 2920209). An algorithm developed to predict the effect of missense changes on protein structure and function outputs the following: PolyPhen-2: "Benign". The threonine amino acid residue is found in multiple mammalian species, which suggests that this missense change does not adversely affect protein function. In summary, the available evidence is currently insufficient to determine the role of this variant in disease. Therefore, it has been classified as a Variant of Uncertain Significance.

Literature cited by the submitters: PubMed 32036089.